The following is an entry in ClinVar:

ClinVar aggregate classification (germline): Likely benign. Review status: criteria provided, multiple submitters, no conflicts (2 of 4 stars). 2 submissions from 2 submitters: Likely benign (2). Last evaluated 2026-06-05.

Conditions:
Glycogen storage disease type X (GSD10). Also called: Dimauro disease; GSD X; Glycogen storage disease due to phosphoglycerate mutase deficiency; MYOPATHY DUE TO PHOSPHOGLYCERATE MUTASE DEFICIENCY; PGAMM DEFICIENCY; PHOSPHOGLYCERATE MUTASE, MUSCLE, DEFICIENCY OF. Identifiers: Orphanet 97234, MedGen C0268149, MONDO:0009865, OMIM 261670.
PGAM2-related disorder. Also called: PGAM2-related condition.

Allele frequency attached by ClinVar (database versions not stated): gnomAD exomes below 0.00001; gnomAD 0.00001; TOPMed 0.00002.
gnomAD v4.1: 3 of 1,613,900 alleles (0.00019%); highest among the groups gnomAD compares: African/African-American, 0.004%; no homozygotes.

Submissions (2):

PreventionGenetics, part of Exact Sciences
Classification: Likely benign for PGAM2-related condition. Last evaluated: 2026-06-05. Review status: criteria provided, single submitter. Criteria: ACMG Guidelines, 2015. Collection method: clinical testing. Allele origin: germline.
Comment: This variant is classified as likely benign based on ACMG/AMP sequence variant interpretation guidelines (Richards et al. 2015 PMID: 25741868, with internal and published modifications).

Labcorp Genetics (formerly Invitae), Labcorp
Classification: Likely benign for Glycogen storage disease type X. Last evaluated: 2022-09-16. Review status: criteria provided, single submitter. Criteria: Invitae Variant Classification Sherloc (09022015). Collection method: clinical testing. Allele origin: germline.

NM_000290.4(PGAM2):c.15C>T (p.Arg5=)

Genes: DBNL (drebrin like; plus strand), PGAM2 (phosphoglycerate mutase 2; minus strand). Cytogenetic location: 7p13.
Variant type: single nucleotide variant.
Coding change: c.15C>T on transcript NM_000290.4 (MANE Select); coding-DNA position 15, C replaced by T.
Protein change: p.Arg5=; no amino-acid change (arginine 5 retained).
Molecular consequence: synonymous variant. On other transcripts: 3 prime UTR variant (6).
Genome position (GRCh38, 1-based): chr7:44,065,515, G>A on the plus strand (C>T on the coding strand, the complement: PGAM2 is on the minus strand). VCF-style: chr7-44065515-G-A. GRCh37 (hg19) VCF-style: chr7-44105114-G-A.
Other names: c.*4599G>A (NM_001014436.3, NM_001122956.2, NM_001284313.2 and 3 more transcripts); c.15C>T (NM_000290.3).
Identifiers: ClinVar variation 2029326 (VCV002029326.5), dbSNP rs1430361929, ClinGen allele CA454860841.